The following is an entry in ClinVar:

ClinVar aggregate classification (germline): Uncertain significance (1 of 4 stars; one submission).

Conditions:
Lamb-Shaffer syndrome. Identifiers: Orphanet 313884, Orphanet 313892, Orphanet 530983, MedGen C4225202, MONDO:0014778, OMIM 616803.

Submission:

Baylor Genetics
Classification: Uncertain significance for Lamb-Shaffer syndrome. Last evaluated: 2018-05-03. Review status: criteria provided, single submitter. Criteria: ACMG Guidelines, 2015. Collection method: clinical testing. Allele origin: paternal. Affected: yes.
Comment: This variant was determined to be of uncertain significance according to ACMG Guidelines, 2015 [PMID:25741868].

NM_006940.6(SOX5):c.798G>T (p.Gln266His)

Gene: SOX5 (SRY-box transcription factor 5; minus strand). Cytogenetic location: 12p12.1.
Variant type: single nucleotide variant.
Coding change: c.798G>T on transcript NM_006940.6 (MANE Select); coding-DNA position 798, G replaced by T.
Protein change: p.Gln266His; replaces glutamine 266 with histidine.
Molecular consequence: missense variant.
Genome position (GRCh38, 1-based): chr12:23,734,696, C>A on the plus strand (G>T on the coding strand, the complement: SOX5 is on the minus strand). VCF-style: chr12-23734696-C-A. GRCh37 (hg19) VCF-style: chr12-23887630-C-A.
Other names: c.759G>T, p.Gln253His (NM_001261414.3, NM_152989.5); c.768G>T, p.Gln256His (NM_001261415.3); c.693G>T, p.Gln231His (NM_001330785.2); short protein forms Q253H, Q256H, Q266H, Q231H.
Identifiers: ClinVar variation 1033170 (VCV001033170.1), dbSNP rs2093521806, ClinGen allele CA384320385.
Genomic context (GRCh38, chr12:23,734,696, plus strand): 5'-AATATATATTTTTTAAATTGTAAGTATATTGAAATTATGATTTCTGACCTGGATCTGTTG[C>A]TGGAGCAAATTGATTTTGTGTTGTTGCTGTAGAAGCTGCTGCTGCTGTCTTGCAATCTGT-3'
Protein context (NP_008871.3, residues 256-276): LQQQHKINLL[Gln266His]QQIQVQGQLP